The following is an entry in ClinVar:

NM_005051.3(QARS1):c.1457G>A (p.Arg486His)

Gene: QARS1 (glutaminyl-tRNA synthetase 1; minus strand). Cytogenetic location: 3p21.31.
Variant type: single nucleotide variant.
Coding change: c.1457G>A on transcript NM_005051.3 (MANE Select); coding-DNA position 1457, G replaced by A.
Protein change: p.Arg486His; replaces arginine 486 with histidine.
Molecular consequence: missense variant. On other transcripts: non-coding transcript variant (1).
Genome position (GRCh38, 1-based): chr3:49,099,579, C>T on the plus strand (G>A on the coding strand, the complement: QARS1 is on the minus strand). VCF-style: chr3-49099579-C-T. GRCh37 (hg19) VCF-style: chr3-49137012-C-T.
Other names: c.1424G>A, p.Arg475His (NM_001272073.2); short protein forms R475H, R486H.
Identifiers: ClinVar variation 1020073 (VCV001020073.3), dbSNP rs1250051938, ClinGen allele CA352706234.

ClinVar aggregate classification (germline): Uncertain significance (1 of 4 stars; one submission).

Conditions:
Diffuse cerebral and cerebellar atrophy - intractable seizures - progressive microcephaly syndrome. Also called: Microcephaly, progressive, with seizures and cerebral and cerebellar atrophy. Identifiers: Orphanet 404437, MedGen C4014239, MONDO:0014335, OMIM 615760.

Allele frequency attached by ClinVar (database versions not stated): gnomAD exomes 0.00001; gnomAD 0.00002; TOPMed 0.00002.
gnomAD v4.1: 19 of 1,614,062 alleles (0.0012%); highest among the groups gnomAD compares: Admixed American, 0.0017%; no homozygotes.

Submission:

Labcorp Genetics (formerly Invitae), Labcorp
Classification: Uncertain significance for Diffuse cerebral and cerebellar atrophy - intractable seizures - progressive microcephaly syndrome. Last evaluated: 2025-12-01. Review status: criteria provided, single submitter. Criteria: Invitae Variant Classification Sherloc (09022015). Collection method: clinical testing. Allele origin: germline.
Comment: This sequence change replaces arginine, which is basic and polar, with histidine, which is basic and polar, at codon 486 of the QARS protein (p.Arg486His). This variant is present in population databases (no rsID available, gnomAD 0.004%). This variant has not been reported in the literature in individuals affected with QARS-related conditions. ClinVar contains an entry for this variant (Variation ID: 1020073). Invitae Evidence Modeling of protein sequence and biophysical properties (such as structural, functional, and spatial information, amino acid conservation, physicochemical variation, residue mobility, and thermodynamic stability) has been performed for this missense variant. However, the output from this modeling did not meet the statistical confidence thresholds required to predict the impact of this variant on QARS protein function. In summary, the available evidence is currently insufficient to determine the role of this variant in disease. Therefore, it has been classified as a Variant of Uncertain Significance.